The following is an entry in ClinVar:

ClinVar aggregate classification (germline): Uncertain significance (1 of 4 stars; one submission).

Conditions:
Immunodeficiency 104. Also called: Severe Combined Immune Deficiency, Autosomal Recessive, TCell -Negative, B Cell-Positive, NK Cell-Positive, IL7R-Related; Severe combined immunodeficiency, autosomal recessive, T cell-negative, B cell-positive, NK cell-positive; SCID, AUTOSOMAL RECESSIVE, T CELL-NEGATIVE, B CELL-POSITIVE, NK CELL-POSITIVE; IMMUNODEFICIENCY 104, SEVERE COMBINED. Identifiers: MedGen C5676890, MONDO:0012163, OMIM 608971.

Submission:

Labcorp Genetics (formerly Invitae), Labcorp
Classification: Uncertain significance for Immunodeficiency 104. Last evaluated: 2022-01-15. Review status: criteria provided, single submitter. Criteria: Invitae Variant Classification Sherloc (09022015). Collection method: clinical testing. Allele origin: germline.
Comment: This variant, c.3320_3321delinsCCATTTGTTTC, is a complex sequence change that results in the deletion of 1 and insertion of 4 amino acid(s) in the PTPRC protein (p.Arg1107delinsThrIleCysPhe). This variant is not present in population databases (gnomAD no frequency). This variant has not been reported in the literature in individuals affected with PTPRC-related conditions. Experimental studies and prediction algorithms are not available or were not evaluated, and the functional significance of this variant is currently unknown. In summary, the available evidence is currently insufficient to determine the role of this variant in disease. Therefore, it has been classified as a Variant of Uncertain Significance.

NM_002838.5(PTPRC):c.3320_3321delinsCCATTTGTTTC (p.Arg1107delinsThrIleCysPhe)

Gene: PTPRC (protein tyrosine phosphatase receptor type C; plus strand). Cytogenetic location: 1q32.1.
Variant type: Indel.
Coding change: c.3320_3321delinsCCATTTGTTTC on transcript NM_002838.5 (MANE Select); coding-DNA positions 3320 to 3321, GA replaced by CCATTTGTTTC.
Protein change: p.Arg1107delinsThrIleCysPhe.
Molecular consequence: inframe indel.
Genome position (GRCh38, 1-based): chr1:198,752,361-198,752,362, GA replaced by CCATTTGTTTC. VCF-style: chr1-198752361-GA-CCATTTGTTTC. GRCh37 (hg19) VCF-style: chr1-198721490-GA-CCATTTGTTTC.
Other names: c.2837_2838delinsCCATTTGTTTC, p.Arg946delinsThrIleCysPhe (NM_080921.4).
Identifiers: ClinVar variation 1991549 (VCV001991549.1), dbSNP rs2528046882, ClinGen allele CA2580061843.